The following is an entry in ClinVar:

ClinVar aggregate classification (germline): Uncertain significance (1 of 4 stars; one submission).

Submission:

Labcorp Genetics (formerly Invitae), Labcorp
Classification: Uncertain significance. Last evaluated: 2022-03-09. Review status: criteria provided, single submitter. Criteria: Invitae Variant Classification Sherloc (09022015). Collection method: clinical testing. Allele origin: germline.
Comment: In summary, the available evidence is currently insufficient to determine the role of this variant in disease. Therefore, it has been classified as a Variant of Uncertain Significance. Experimental studies and prediction algorithms are not available or were not evaluated, and the functional significance of this variant is currently unknown. This variant has not been reported in the literature in individuals affected with REEP6-related conditions. This variant is not present in population databases (gnomAD no frequency). This sequence change replaces threonine, which is neutral and polar, with asparagine, which is neutral and polar, at codon 205 of the REEP6 protein (p.Thr205Asn).

NM_138393.4(REEP6):c.533C>A (p.Thr178Asn)

Gene: REEP6 (receptor accessory protein 6; plus strand). Cytogenetic location: 19p13.3.
Variant type: single nucleotide variant.
Coding change: c.533C>A on transcript NM_138393.4 (MANE Select); coding-DNA position 533, C replaced by A.
Protein change: p.Thr178Asn; replaces threonine 178 with asparagine.
Molecular consequence: missense variant.
Genome position (GRCh38, 1-based): chr19:1,497,189, C>A. VCF-style: chr19-1497189-C-A. GRCh37 (hg19) VCF-style: chr19-1497188-C-A.
Other names: c.614C>A, p.Thr205Asn (NM_001329556.3); short protein forms T178N, T205N.
Identifiers: ClinVar variation 1489794 (VCV001489794.6), dbSNP rs757931089, ClinGen allele CA402995111.